The following is an entry in ClinVar:

NM_000540.3(RYR1):c.4196C>A (p.Thr1399Asn)

Gene: RYR1 (ryanodine receptor 1; plus strand). Cytogenetic location: 19q13.2.
Variant type: single nucleotide variant.
Coding change: c.4196C>A on transcript NM_000540.3 (MANE Select); coding-DNA position 4196, C replaced by A.
Protein change: p.Thr1399Asn; replaces threonine 1399 with asparagine.
Molecular consequence: missense variant.
Genome position (GRCh38, 1-based): chr19:38,475,353, C>A. VCF-style: chr19-38475353-C-A. GRCh37 (hg19) VCF-style: chr19-38965993-C-A.
Other names: c.4196C>A, p.Thr1399Asn (NM_001042723.2); short protein forms T1399N.
Identifiers: ClinVar variation 3074110 (VCV003074110.1), dbSNP rs1968665220, ClinGen allele CA405644286.

ClinVar aggregate classification (germline): Uncertain significance (1 of 4 stars; one submission).

Conditions:
Malignant hyperthermia, susceptibility to, 1 (MHS1). Also called: Anesthesia related hyperthermia; Malignant hyperpyrexia; Fulminating hyperpyrexia; Pharmacogenic myopathy; RYR1-Related Malignant Hyperthermia Susceptibility; Malignant hyperthermia suceptibility 1. Identifiers: Orphanet 423, MedGen C2930980, MONDO:0007783, OMIM 145600.

Allele frequency attached by ClinVar (database versions not stated): TOPMed below 0.00001.

Submission:

All of Us Research Program, National Institutes of Health
Classification: Uncertain significance for Malignant hyperthermia, susceptibility to, 1. Last evaluated: 2023-10-23. Review status: criteria provided, single submitter. Criteria: ACMG Guidelines, 2015. Collection method: clinical testing. Allele origin: germline. Inheritance: Autosomal dominant inheritance. Observed: 1 variant allele, 1 heterozygote.
Comment: This missense variant replaces threonine with asparagine at codon 1399 of the RYR1 protein. Computational prediction suggests that this variant may not impact protein structure and function (internally defined REVEL score threshold <= 0.5, PMID: 27666373). To our knowledge, functional studies have not been reported for this variant. This variant has not been reported in individuals affected with RYR1-related disorders in the literature. This variant has not been identified in the general population by the Genome Aggregation Database (gnomAD). The available evidence is insufficient to determine the role of this variant in disease conclusively. Therefore, this variant is classified as a Variant of Uncertain Significance.

This study involves interpretation of variants in research participants for the purpose of population health screening. Participant phenotype was not available at the time of variant classification. Additional details can be found in publication PMID: 35346344, PMCID: PMC8962531